The following is an entry in ClinVar:

ClinVar aggregate classification (germline): Uncertain significance (1 of 4 stars; one submission).

Allele frequency attached by ClinVar (database versions not stated): gnomAD exomes below 0.00001.
gnomAD v4.1: 2 of 1,614,082 alleles (0.00012%); highest among the groups gnomAD compares: Non-Finnish European, 0.00017%; no homozygotes.

Submission:

Labcorp Genetics (formerly Invitae), Labcorp
Classification: Uncertain significance. Last evaluated: 2022-07-27. Review status: criteria provided, single submitter. Criteria: Invitae Variant Classification Sherloc (09022015). Collection method: clinical testing. Allele origin: germline.
Comment: In summary, the available evidence is currently insufficient to determine the role of this variant in disease. Therefore, it has been classified as a Variant of Uncertain Significance. Algorithms developed to predict the effect of missense changes on protein structure and function output the following: SIFT: "Deleterious"; PolyPhen-2: "Benign"; Align-GVGD: "Class C0". The isoleucine amino acid residue is found in multiple mammalian species, which suggests that this missense change does not adversely affect protein function. This variant has not been reported in the literature in individuals affected with CDC45-related conditions. This variant is present in population databases (no rsID available, gnomAD 0.0009%). This sequence change replaces methionine, which is neutral and non-polar, with isoleucine, which is neutral and non-polar, at codon 232 of the CDC45 protein (p.Met232Ile).

NM_003504.5(CDC45):c.600G>A (p.Met200Ile)

Gene: CDC45 (cell division cycle 45; plus strand). Cytogenetic location: 22q11.21.
Variant type: single nucleotide variant.
Coding change: c.600G>A on transcript NM_003504.5 (MANE Select); coding-DNA position 600, G replaced by A.
Protein change: p.Met200Ile; replaces methionine 200 with isoleucine.
Molecular consequence: missense variant. On other transcripts: non-coding transcript variant (1).
Genome position (GRCh38, 1-based): chr22:19,497,394, G>A. VCF-style: chr22-19497394-G-A. GRCh37 (hg19) VCF-style: chr22-19484917-G-A.
Other names: c.696G>A, p.Met232Ile (NM_001178010.2); c.462G>A, p.Met154Ile (NM_001178011.2); c.564G>A, p.Met188Ile (NM_001369291.1); short protein forms M232I, M154I, M188I, M200I.
Identifiers: ClinVar variation 2003624 (VCV002003624.4), dbSNP rs1453003336, ClinGen allele CA410665356.
Genomic context (GRCh38, chr22:19,497,394, plus strand): 5'-GCCCCAGCACATGCCCCTCCCATGAGCCTTAGACTTCTCTGCTTCCTTACAGTCAGCCAT[G>A]GTGATGTTTGAGCTGGCTTGGATGCTGTCCAAGGACCTGAATGACATGCTGTGGTACGTA-3'
Protein context (NP_003495.1, residues 190-210): QYEYHGTSSA[Met200Ile]VMFELAWMLS